The following is an entry in ClinVar:

ClinVar aggregate classification (germline): Pathogenic/Likely pathogenic. Review status: criteria provided, multiple submitters, no conflicts (2 of 4 stars). 2 submissions from 2 submitters: Pathogenic (1); Likely pathogenic (1). Last evaluated 2025-08-21.

Conditions:
Oculocutaneous albinism type 1. Also called: Albinism 1; ALBINISM I. Identifiers: Orphanet 352731, MedGen C0268494, MONDO:0018135. Disease mechanism: loss of function.

Allele frequency attached by ClinVar (database versions not stated): gnomAD exomes 0.00001.

Submissions (2):

Labcorp Genetics (formerly Invitae), Labcorp
Classification: Pathogenic. Last evaluated: 2025-08-21. Review status: criteria provided, single submitter. Criteria: Invitae Variant Classification Sherloc (09022015). Collection method: clinical testing. Allele origin: germline.
Comment: This sequence change falls in intron 4 of the TYR gene. It does not directly change the encoded amino acid sequence of the TYR protein. It affects a nucleotide within the consensus splice site. This variant is present in population databases (no rsID available, gnomAD 0.01%). This variant has been observed in individual(s) with clinical features of oculocutaneous albinism (PMID: 34838614, 37471664; internal data). In at least one individual the data is consistent with being in trans (on the opposite chromosome) from a pathogenic variant. This variant is also known as IVS4+3A>T. ClinVar contains an entry for this variant (Variation ID: 1406975). Variants that disrupt the consensus splice site are a relatively common cause of aberrant splicing (PMID: 17576681, 9536098). Algorithms developed to predict the effect of sequence changes on RNA splicing suggest that this variant may disrupt the consensus splice site. For these reasons, this variant has been classified as Pathogenic.

Myriad Genetics, Inc.
Classification: Likely pathogenic for Oculocutaneous albinism type 1. Last evaluated: 2025-03-03. Review status: criteria provided, single submitter. Criteria: Myriad Autosomal Dominant, Autosomal Recessive and X-Linked Classification Criteria (2023). Collection method: clinical testing. Allele origin: unknown.
Comment: NM_000372.4(TYR):c.1366+3A>T is an intronic variant classified as likely pathogenic in the context of oculocutaneous albinism, TYR-related. c.1366+3A>T has been observed in cases with relevant disease (PMID: 34838614, 37471664). Relevant functional assessments of this variant are not available in the literature. c.1366+3A>T has been observed in referenced population frequency databases. In summary, NM_000372.4(TYR):c.1366+3A>T is an intronic variant that has been observed more frequently in cases with the relevant disease than in healthy populations. Please note: this variant was assessed in the context of healthy population screening.

Literature cited by the submitters: PubMed 34838614 (cited by Labcorp Genetics (formerly Invitae), Labcorp and Myriad Genetics, Inc.); PubMed 37471664 (cited by Labcorp Genetics (formerly Invitae), Labcorp and Myriad Genetics, Inc.); PubMed 17576681 (cited by Labcorp Genetics (formerly Invitae), Labcorp); PubMed 9536098 (cited by Labcorp Genetics (formerly Invitae), Labcorp).

NM_000372.5(TYR):c.1366+3A>T

Gene: TYR (tyrosinase; plus strand). Cytogenetic location: 11q14.3.
Variant type: single nucleotide variant.
Coding change: c.1366+3A>T on transcript NM_000372.5 (MANE Select); 3 bases into the intron after coding-DNA position 1366, A replaced by T.
Molecular consequence: intron variant.
Genome position (GRCh38, 1-based): chr11:89,284,957, A>T. VCF-style: chr11-89284957-A-T. GRCh37 (hg19) VCF-style: chr11-89018125-A-T.
Identifiers: ClinVar variation 1406975 (VCV001406975.7), dbSNP rs1254666353, ClinGen allele CA601003312.